The following is an entry in ClinVar:

NM_001384140.1(PCDH15):c.678T>G (p.Thr226=)

Gene: PCDH15 (protocadherin related 15; minus strand). Cytogenetic location: 10q21.1.
Variant type: single nucleotide variant.
Coding change: c.678T>G on transcript NM_001384140.1 (MANE Select); coding-DNA position 678, T replaced by G.
Protein change: p.Thr226=; no amino-acid change (threonine 226 retained).
Molecular consequence: synonymous variant. On other transcripts: intron variant (1).
Genome position (GRCh38, 1-based): chr10:54,329,623, A>C on the plus strand (T>G on the coding strand, the complement: PCDH15 is on the minus strand). VCF-style: chr10-54329623-A-C. GRCh37 (hg19) VCF-style: chr10-56089383-A-C.
Other names: c.693T>G, p.Thr231= (NM_001142763.2, NM_001142769.4, NM_001142771.2); c.678T>G, p.Thr226= (NM_001142764.2, NM_001142765.2, NM_001142766.2 and 7 more transcripts); c.612T>G, p.Thr204= (NM_001142768.2, NM_001142773.2, NM_001354404.2); c.595-12182T>G (NM_001142767.2); c.678T>G (NM_033056.3).
Identifiers: ClinVar variation 1151145 (VCV001151145.8), dbSNP rs759127233, ClinGen allele CA469524902.

ClinVar aggregate classification (germline): Likely benign. Review status: criteria provided, multiple submitters, no conflicts (2 of 4 stars). 2 submissions from 2 submitters: Likely benign (2). Last evaluated 2025-08-10.

Conditions:
PCDH15-related disorder. Also called: PCDH15-related condition; PCDH15-related disorders.

gnomAD v4.1: 22 of 1,602,764 alleles (0.0014%); highest among the groups gnomAD compares: Non-Finnish European, 0.0019%; no homozygotes.

Submissions (2):

PreventionGenetics, part of Exact Sciences
Classification: Likely benign for PCDH15-related condition. Last evaluated: 2025-08-10. Review status: criteria provided, single submitter. Criteria: ACMG Guidelines, 2015. Collection method: clinical testing. Allele origin: germline.
Comment: This variant is classified as likely benign based on ACMG/AMP sequence variant interpretation guidelines (Richards et al. 2015 PMID: 25741868, with internal and published modifications).

Labcorp Genetics (formerly Invitae), Labcorp
Classification: Likely benign. Last evaluated: 2025-03-17. Review status: criteria provided, single submitter. Criteria: Invitae Variant Classification Sherloc (09022015). Collection method: clinical testing. Allele origin: germline.